The following is an entry in ClinVar:

ClinVar aggregate classification (germline): Uncertain significance (1 of 4 stars; one submission).

Submission:

GeneDx
Classification: Uncertain significance. Last evaluated: 2023-06-29. Review status: criteria provided, single submitter. Criteria: GeneDx Variant Classification Process June 2021. Collection method: clinical testing. Allele origin: germline. Affected: yes.
Comment: Not observed at significant frequency in large population cohorts (gnomAD); In silico analysis supports that this missense variant has a deleterious effect on protein structure/function; Has not been previously published as pathogenic or benign to our knowledge

NM_005859.5(PURA):c.435C>G (p.Ser145Arg)

Genes: PURA (purine rich element binding protein A; plus strand), LOC129994826 (ATAC-STARR-seq lymphoblastoid active region 23260; plus strand). Cytogenetic location: 5q31.3.
Variant type: single nucleotide variant.
Coding change: c.435C>G on transcript NM_005859.5 (MANE Select); coding-DNA position 435, C replaced by G.
Protein change: p.Ser145Arg; replaces serine 145 with arginine.
Molecular consequence: missense variant.
Genome position (GRCh38, 1-based): chr5:140,114,616, C>G. VCF-style: chr5-140114616-C-G. GRCh37 (hg19) VCF-style: chr5-139494201-C-G.
Other names: short protein forms S145R.
Identifiers: ClinVar variation 3360675 (VCV003360675.1).